The following is an entry in ClinVar:

NM_012469.4(PRPF6):c.2350G>A (p.Val784Met)

Gene: PRPF6 (pre-mRNA processing factor 6; plus strand). Cytogenetic location: 20q13.33.
Variant type: single nucleotide variant.
Coding change: c.2350G>A on transcript NM_012469.4 (MANE Select); coding-DNA position 2350, G replaced by A.
Protein change: p.Val784Met; replaces valine 784 with methionine.
Molecular consequence: missense variant.
Genome position (GRCh38, 1-based): chr20:64,028,488, G>A. VCF-style: chr20-64028488-G-A. GRCh37 (hg19) VCF-style: chr20-62659841-G-A.
Other names: short protein forms V784M.
Identifiers: ClinVar variation 1418419 (VCV001418419.8), dbSNP rs2123103241, ClinGen allele CA409742339.

ClinVar aggregate classification (germline): Uncertain significance (1 of 4 stars; one submission).

Submission:

Labcorp Genetics (formerly Invitae), Labcorp
Classification: Uncertain significance. Last evaluated: 2022-08-23. Review status: criteria provided, single submitter. Criteria: Invitae Variant Classification Sherloc (09022015). Collection method: clinical testing. Allele origin: germline.
Comment: This variant is not present in population databases (gnomAD no frequency). This sequence change replaces valine, which is neutral and non-polar, with methionine, which is neutral and non-polar, at codon 784 of the PRPF6 protein (p.Val784Met). This variant has not been reported in the literature in individuals affected with PRPF6-related conditions. ClinVar contains an entry for this variant (Variation ID: 1418419). Algorithms developed to predict the effect of missense changes on protein structure and function are either unavailable or do not agree on the potential impact of this missense change (SIFT: "Deleterious"; PolyPhen-2: "Possibly Damaging"; Align-GVGD: "Class C0"). In summary, the available evidence is currently insufficient to determine the role of this variant in disease. Therefore, it has been classified as a Variant of Uncertain Significance.